The following is an entry in ClinVar:

ClinVar aggregate classification (germline): Uncertain significance. Review status: criteria provided, multiple submitters, no conflicts (2 of 4 stars). 2 submissions from 2 submitters: Uncertain significance (2). Last evaluated 2025-11-16.

Allele frequency attached by ClinVar (database versions not stated): ExAC 0.00004; gnomAD 0.00006; gnomAD exomes 0.00007; TOPMed 0.00009; 1000 Genomes Project 0.00020; 1000 Genomes Project 30x 0.00031.
gnomAD v4.1: 116 of 1,614,162 alleles (0.0072%); highest among the groups gnomAD compares: Admixed American, 0.047%; no homozygotes.

Submissions (2):

Labcorp Genetics (formerly Invitae), Labcorp
Classification: Uncertain significance. Last evaluated: 2025-11-16. Review status: criteria provided, single submitter. Criteria: Invitae Variant Classification Sherloc (09022015). Collection method: clinical testing. Allele origin: germline.
Comment: This sequence change replaces threonine, which is neutral and polar, with isoleucine, which is neutral and non-polar, at codon 412 of the FAT2 protein (p.Thr412Ile). This variant is present in population databases (rs200096598, gnomAD 0.03%). This variant has not been reported in the literature in individuals affected with FAT2-related conditions. ClinVar contains an entry for this variant (Variation ID: 2165413). Invitae Evidence Modeling of protein sequence and biophysical properties (such as structural, functional, and spatial information, amino acid conservation, physicochemical variation, residue mobility, and thermodynamic stability) indicates that this missense variant is expected to disrupt FAT2 protein function with a positive predictive value of 80%. In summary, the available evidence is currently insufficient to determine the role of this variant in disease. Therefore, it has been classified as a Variant of Uncertain Significance.

Ambry Genetics
Classification: Uncertain significance. Last evaluated: 2023-01-10. Review status: criteria provided, single submitter. Criteria: Ambry Variant Classification Scheme 2023. Collection method: clinical testing. Allele origin: germline.

NM_001447.3(FAT2):c.1235C>T (p.Thr412Ile)

Gene: FAT2 (FAT atypical cadherin 2; minus strand). Cytogenetic location: 5q33.1.
Variant type: single nucleotide variant.
Coding change: c.1235C>T on transcript NM_001447.3 (MANE Select); coding-DNA position 1235, C replaced by T.
Protein change: p.Thr412Ile; replaces threonine 412 with isoleucine.
Molecular consequence: missense variant.
Genome position (GRCh38, 1-based): chr5:151,567,697, G>A on the plus strand (C>T on the coding strand, the complement: FAT2 is on the minus strand). VCF-style: chr5-151567697-G-A. GRCh37 (hg19) VCF-style: chr5-150947258-G-A.
Other names: c.1235C>T (NM_001447.2); short protein forms T412I.
Identifiers: ClinVar variation 2165413 (VCV002165413.6), dbSNP rs200096598, ClinGen allele CA3522293.
Genomic context (GRCh38, chr5:151,567,697, plus strand): 5'-TGTAGCTGATAGTGGGCTCTGTCGTGGAAGTCCATGAGCTTTGTGGTGGTGATCAACCCA[G>A]TTCGAGCATTAAGTTTAAATCCTACATTCTCTGAAGATGGCTTTAGAACATACTGCAGGT-3'
Protein context (NP_001438.1, residues 402-422): ENVGFKLNAR[Thr412Ile]GLITTTKLMD